The following is an entry in ClinVar:

ClinVar aggregate classification (germline): Uncertain significance (1 of 4 stars; one submission).

Submission:

Mayo Clinic Laboratories, Mayo Clinic
Classification: Uncertain significance. Last evaluated: 2025-04-14. Review status: criteria provided, single submitter. Criteria: ACMG Guidelines, 2015. Collection method: clinical testing. Allele origin: germline. Observed: 1 variant allele.
Comment: PP3, PM2_supporting

NM_172351.3(CD46):c.766T>C (p.Cys256Arg)

Gene: CD46 (CD46 molecule; plus strand). Cytogenetic location: 1q32.2.
Variant type: single nucleotide variant.
Coding change: c.766T>C on transcript NM_172351.3 (MANE Select); coding-DNA position 766, T replaced by C.
Protein change: p.Cys256Arg; replaces cysteine 256 with arginine.
Molecular consequence: missense variant.
Genome position (GRCh38, 1-based): chr1:207,767,105, T>C. VCF-style: chr1-207767105-T-C. GRCh37 (hg19) VCF-style: chr1-207940450-T-C.
Other names: p.Cys256Arg; c.766T>C, p.Cys256Arg (NM_002389.4, NM_153826.4, NM_172350.3 and 8 more transcripts); short protein forms C256R.
Identifiers: ClinVar variation 4542194 (VCV004542194.1).